The following is an entry in ClinVar:

NM_001110556.2(FLNA):c.3814C>T (p.Arg1272Cys)

Gene: FLNA (filamin A; minus strand). Cytogenetic location: Xq28.
Variant type: single nucleotide variant.
Coding change: c.3814C>T on transcript NM_001110556.2 (MANE Select); coding-DNA position 3814, C replaced by T.
Protein change: p.Arg1272Cys; replaces arginine 1272 with cysteine.
Molecular consequence: missense variant.
Genome position (GRCh38, 1-based): chrX:154,359,897, G>A on the plus strand (C>T on the coding strand, the complement: FLNA is on the minus strand). VCF-style: chrX-154359897-G-A. GRCh37 (hg19) VCF-style: chrX-153588265-G-A.
Other names: c.3814C>T, p.Arg1272Cys (NM_001456.4); short protein forms R1272C.
Identifiers: ClinVar variation 451805 (VCV000451805.14), dbSNP rs1420631223, ClinGen allele CA415222401.

ClinVar aggregate classification (germline): Conflicting classifications of pathogenicity. Review status: criteria provided, conflicting classifications (1 of 4 stars). 3 submissions from 3 submitters: Uncertain significance (2); Likely benign (1). Last evaluated 2025-12-11.

Conditions:
Familial thoracic aortic aneurysm and aortic dissection (TAAD). Also called: Thoracic aortic aneurysms and dissections. Identifiers: Orphanet 91387, MedGen C4707243, MONDO:0019625.
Heterotopia, periventricular, X-linked dominant (PVNH1). Also called: PERIVENTRICULAR NODULAR HETEROTOPIA 1; X-linked periventricular heterotopia; PERIVENTRICULAR NODULAR HETEROTOPIA 4; HETEROTOPIA, PERIVENTRICULAR, 1. Identifiers: Orphanet 2149, Orphanet 82004, MedGen C1848213, MONDO:0010233, OMIM 300049.
Oto-palato-digital syndrome, type II (OPD2). Also called: FACIOPALATOOSSEOUS SYNDROME; OPD II SYNDROME; Otopalatodigital Syndrome Type 2 (FLNA-OPD2); Otopalatodigital Syndrome, Type II. Identifiers: Orphanet 669, Orphanet 90652, MedGen C1844696, MONDO:0010571, OMIM 304120.
Frontometaphyseal dysplasia (FMD1). Identifiers: Orphanet 1826, MedGen C0265293, MONDO:0015942.
Melnick-Needles syndrome (MNS). Also called: MELNICK-NEEDLES OSTEODYSPLASTY; OSTEODYSPLASTY OF MELNICK AND NEEDLES; Melnick-Needles Syndrome (FLNA-MNS). Identifiers: Orphanet 2484, MedGen C0025237, MONDO:0010650, OMIM 309350.

Allele frequency attached by ClinVar (database versions not stated): gnomAD 0.00001; gnomAD exomes 0.00001 and 0.00002; TOPMed 0.00002.
gnomAD v4.1: 14 of 1,209,088 alleles (0.0012%); highest among the groups gnomAD compares: Non-Finnish European, 0.0016%; no homozygotes.

Submissions (3):

Labcorp Genetics (formerly Invitae), Labcorp
Classification: Likely benign for Oto-palato-digital syndrome, type II; Heterotopia, periventricular, X-linked dominant; Frontometaphyseal dysplasia; Melnick-Needles syndrome. Last evaluated: 2025-12-11. Review status: criteria provided, single submitter. Criteria: Invitae Variant Classification Sherloc (09022015). Collection method: clinical testing. Allele origin: germline.

Ambry Genetics
Classification: Uncertain significance for Familial thoracic aortic aneurysm and aortic dissection. Last evaluated: 2024-11-29. Review status: criteria provided, single submitter. Criteria: Ambry Variant Classification Scheme 2023. Collection method: clinical testing. Allele origin: germline.
Comment: The p.R1272C variant (also known as c.3814C>T), located in coding exon 22 of the FLNA gene, results from a C to T substitution at nucleotide position 3814. The arginine at codon 1272 is replaced by cysteine, an amino acid with highly dissimilar properties. This variant was reported in one case from a familial X-linked intellectual disability cohort; however, clinical details were limited (Tarpey PS et al. Nat Genet, 2009 May;41:535-43). Based on data from gnomAD, the T allele has an overall frequency of 0.002% (3/180040) total alleles studied, with 2 hemizygotes observed. The highest observed frequency was 0.004% (3/80215) of non-Finnish European alleles. This amino acid position is highly conserved in available vertebrate species. In addition, this alteration is predicted to be deleterious by in silico analysis. Since supporting evidence is limited at this time, the clinical significance of this alteration remains unclear.

GeneDx
Classification: Uncertain significance. Last evaluated: 2021-08-25. Review status: criteria provided, single submitter. Criteria: GeneDx Variant Classification Process June 2021. Collection method: clinical testing. Allele origin: germline. Affected: yes.
Comment: Reported as a non-recurrent variant observed in an X-linked mental retardation cohort (Tarpey et al., 2009); however, this variant has not been published specifically in association with FLNA-related disease; In silico analysis supports that this missense variant has a deleterious effect on protein structure/function; Reported in ClinVar as a variant of uncertain significance (ClinVar Variant ID# 451805; Landrum et al., 2016); This variant is associated with the following publications: (PMID: 26582918, 19377476)

Literature cited by the submitters: PubMed 19377476 (cited by Ambry Genetics).